The following is an entry in ClinVar:

NM_004380.3(CREBBP):c.6763C>G (p.Pro2255Ala)

Gene: CREBBP (CREB binding lysine acetyltransferase; minus strand). Cytogenetic location: 16p13.3.
Variant type: single nucleotide variant.
Coding change: c.6763C>G on transcript NM_004380.3 (MANE Select); coding-DNA position 6763, C replaced by G.
Protein change: p.Pro2255Ala; replaces proline 2255 with alanine.
Molecular consequence: missense variant.
Genome position (GRCh38, 1-based): chr16:3,728,284, G>C on the plus strand (C>G on the coding strand, the complement: CREBBP is on the minus strand). VCF-style: chr16-3728284-G-C. GRCh37 (hg19) VCF-style: chr16-3778285-G-C.
Other names: c.6649C>G, p.Pro2217Ala (NM_001079846.1); short protein forms P2217A, P2255A.
Identifiers: ClinVar variation 2635964 (VCV002635964.4), dbSNP rs754396803, ClinGen allele CA394551918.
Genomic context (GRCh38, chr16:3,728,284, plus strand): 5'-CCATCTGGCCAAGCTGTCCCATCTGAGCCGCCATCTGGCCCATGGAGCTGCCCTGGAGGG[G>C]GAGATGCTGCTGCATGCGCTGCTGCTGCTGCATGGCCGGTGGGTAGCCTCCGGGTCCTTG-3'
Protein context (NP_004371.2, residues 2245-2265): QQQQRMQQHL[Pro2255Ala]LQGSSMGQMA

ClinVar aggregate classification (germline): Uncertain significance. Review status: criteria provided, multiple submitters, no conflicts (2 of 4 stars). 3 submissions from 3 submitters: Uncertain significance (3). Last evaluated 2025-11-26.

Conditions:
Inborn genetic diseases. Identifiers: MedGen C0950123, MeSH D030342.
CREBBP-related disorder. Also called: CREBBP-related condition; CREBBP-related disorders.

gnomAD v4.1: 17 of 1,612,156 alleles (0.0011%); highest among the groups gnomAD compares: Non-Finnish European, 0.0014%; no homozygotes.

Submissions (3):

Ambry Genetics
Classification: Uncertain significance for Inborn genetic diseases. Last evaluated: 2025-11-26. Review status: criteria provided, single submitter. Criteria: Ambry Variant Classification Scheme 2023. Collection method: clinical testing. Allele origin: germline.

PreventionGenetics, part of Exact Sciences
Classification: Uncertain significance for CREBBP-related condition. Last evaluated: 2025-09-25. Review status: criteria provided, single submitter. Criteria: ACMG Guidelines, 2015. Collection method: clinical testing. Allele origin: germline.
Comment: The CREBBP c.6763C>G variant is predicted to result in the amino acid substitution p.Pro2255Ala. To our knowledge, this variant has not been reported in the literature or in a large population database (gnomAD), indicating this variant is rare. At this time, the clinical significance of this variant is uncertain due to the absence of conclusive functional and genetic evidence.

Blueprint Genetics
Classification: Uncertain significance. Last evaluated: 2022-12-16. Review status: criteria provided, single submitter. Criteria: ACMG Guidelines, 2015. Collection method: clinical testing. Allele origin: germline.